The following is an entry in ClinVar:

ClinVar aggregate classification (germline): Uncertain significance (1 of 4 stars; one submission).

Conditions:
Autosomal dominant nonsyndromic hearing loss 1. Also called: DEAFNESS, AUTOSOMAL DOMINANT 1, WITH OR WITHOUT THROMBOCYTOPENIA; KONIGSMARK SYNDROME. Identifiers: Orphanet 90635, MedGen C1852282, MONDO:0007424, OMIM 124900.
Progressive microcephaly-seizures-cortical blindness-developmental delay syndrome. Also called: Seizures, cortical blindness, and microcephaly syndrome. Identifiers: Orphanet 477814, MedGen C5567650, MONDO:0014714, OMIM 616632.

Submission:

Labcorp Genetics (formerly Invitae), Labcorp
Classification: Uncertain significance for Progressive microcephaly-seizures-cortical blindness-developmental delay syndrome; Autosomal dominant nonsyndromic hearing loss 1. Last evaluated: 2025-09-24. Review status: criteria provided, single submitter. Criteria: Invitae Variant Classification Sherloc (09022015). Collection method: clinical testing. Allele origin: germline.
Comment: This sequence change falls in intron 23 of the DIAPH1 gene. It does not directly change the encoded amino acid sequence of the DIAPH1 protein. It affects a nucleotide within the consensus splice site. This variant is not present in population databases (gnomAD no frequency). This variant has not been reported in the literature in individuals affected with DIAPH1-related conditions. Variants that disrupt the consensus splice site are a relatively common cause of aberrant splicing (PMID: 17576681, 9536098). Algorithms developed to predict the effect of sequence changes on RNA splicing suggest that this variant is not likely to affect RNA splicing. In summary, the available evidence is currently insufficient to determine the role of this variant in disease. Therefore, it has been classified as a Variant of Uncertain Significance.

Literature cited by the submitters: PubMed 17576681; PubMed 9536098.

NM_005219.5(DIAPH1):c.3149-3_3149-2insTC

Gene: DIAPH1 (diaphanous related formin 1; minus strand). Cytogenetic location: 5q31.3.
Variant type: Insertion.
Coding change: c.3149-3_3149-2insTC on transcript NM_005219.5 (MANE Select); 3 bases into the intron before coding-DNA position 3149 through the canonical splice acceptor site of the intron before coding-DNA position 3149, TC inserted.
Molecular consequence: intron variant.
Genome position: GRCh38 VCF-style: chr5-141527699-T-TGA. GRCh37 (hg19) VCF-style: chr5-140907266-T-TGA.
Other names: c.3122-3_3122-2insTC (NM_001079812.3); c.3149-3_3149-2insTC (NM_001314007.2).
Identifiers: ClinVar variation 4793277 (VCV004793277.1).